The following is an entry in ClinVar:

ClinVar aggregate classification (germline): Likely benign (1 of 4 stars; one submission).

Conditions:
DOCK8-related disorder. Also called: DOCK8-related condition.

Submission:

PreventionGenetics, part of Exact Sciences
Classification: Likely benign for DOCK8-related condition. Last evaluated: 2026-07-08. Review status: criteria provided, single submitter. Criteria: ACMG Guidelines, 2015. Collection method: clinical testing. Allele origin: germline.
Comment: This variant is classified as likely benign based on ACMG/AMP sequence variant interpretation guidelines (Richards et al. 2015 PMID: 25741868, with internal and published modifications).

NM_203447.4(DOCK8):c.5962-21_5962-9del

Gene: DOCK8 (dedicator of cytokinesis 8; plus strand). Cytogenetic location: 9p24.3.
Variant type: Deletion.
Coding change: c.5962-21_5962-9del on transcript NM_203447.4 (MANE Select); 21 bases into the intron before coding-DNA position 5962 through 9 bases into the intron before coding-DNA position 5962, 13 bases deleted (TTTTTTTTTTTTT).
Molecular consequence: intron variant.
Genome position (GRCh38, 1-based): chr9:451,990-452,002, TTTTTTTTTTTTT deleted; deleting any 13 consecutive bases within chr9:451,978-452,002 gives the same sequence; the c. name uses the placement nearest the transcript's 3' end. VCF-style (leftmost placement, unchanged base first): chr9-451977-ATTTTTTTTTTTTT-A. GRCh37 (hg19) VCF-style: chr9-451977-ATTTTTTTTTTTTT-A.
Other names: c.5758-21_5758-9del (NM_001193536.2); c.5662-21_5662-9del (NM_001190458.2).
Identifiers: ClinVar variation 4979837 (VCV004979837.1).